The following is an entry in ClinVar:

NM_006118.4(HAX1):c.171C>T (p.Pro57=)

Gene: HAX1 (HCLS1 associated protein X-1; plus strand). Cytogenetic location: 1q21.3.
Variant type: single nucleotide variant.
Coding change: c.171C>T on transcript NM_006118.4 (MANE Select); coding-DNA position 171, C replaced by T.
Protein change: p.Pro57=; no amino-acid change (proline 57 retained).
Molecular consequence: synonymous variant. On other transcripts: intron variant (1).
Genome position (GRCh38, 1-based): chr1:154,273,453, C>T. VCF-style: chr1-154273453-C-T. GRCh37 (hg19) VCF-style: chr1-154245929-C-T.
Other names: c.54-27C>T (NM_001018837.2).
Identifiers: ClinVar variation 2500041 (VCV002500041.2), dbSNP rs749427265, ClinGen allele CA1127278.

ClinVar aggregate classification (germline): Likely benign. Review status: criteria provided, multiple submitters, no conflicts (2 of 4 stars). 2 submissions from 2 submitters: Likely benign (2). Last evaluated 2025-01-10.

Conditions:
Inborn genetic diseases. Identifiers: MedGen C0950123, MeSH D030342.
Kostmann syndrome (SCN3). Also called: KOSTMANN DISEASE; Autosomal recessive severe congenital neutropenia type 3. Identifiers: Orphanet 99749, MedGen C5235141, MONDO:0012548, OMIM 610738.

Allele frequency attached by ClinVar (database versions not stated): gnomAD exomes below 0.00001; ExAC 0.00001.
gnomAD v4.1: 2 of 1,614,126 alleles (0.00012%); highest among the groups gnomAD compares: Admixed American, 0.0017%; no homozygotes.

Submissions (2):

Ambry Genetics
Classification: Likely benign for Inborn genetic diseases. Last evaluated: 2025-01-10. Review status: criteria provided, single submitter. Criteria: Ambry Variant Classification Scheme 2023. Collection method: clinical testing. Allele origin: germline.

Center for Genomics, Ann and Robert H. Lurie Children's Hospital of Chicago
Classification: Likely benign for Kostmann syndrome. Last evaluated: 2021-12-22. Review status: criteria provided, single submitter. Criteria: ACMG Guidelines, 2015. Collection method: clinical testing. Allele origin: germline.
Comment: HAX1 NM_006118.4 exon 2 p.Pro57= (c.171C>T): This variant is not present in the literature but is present in 0.003% (1/34584) of Latino alleles in the Genome Aggregation Database. Of note, this variant is a silent variant and does not change the amino acid, reducing the probability that this variant is disease causing. This variant occurs at poorly conserved amino acid and computational tools do not suggest that it alters splicing. In summary, data on this variant suggests that this variant does not cause disease, but requires further evidence. Therefore this variant is classified as likely benign.